The following is an entry in ClinVar:

NM_024753.5(TTC21B):c.354A>G (p.Leu118=)

Genes: TTC21B (tetratricopeptide repeat domain 21B; minus strand), TTC21B-AS1 (TTC21B antisense RNA 1; plus strand). Cytogenetic location: 2q24.3.
Variant type: single nucleotide variant.
Coding change: c.354A>G on transcript NM_024753.5 (MANE Select); coding-DNA position 354, A replaced by G.
Protein change: p.Leu118=; no amino-acid change (leucine 118 retained).
Molecular consequence: synonymous variant.
Genome position (GRCh38, 1-based): chr2:165,945,599, T>C on the plus strand (A>G on the coding strand, the complement: TTC21B is on the minus strand). VCF-style: chr2-165945599-T-C. GRCh37 (hg19) VCF-style: chr2-166802109-T-C.
Other names: c.354A>G (NM_024753.4).
Identifiers: ClinVar variation 2937324 (VCV002937324.4), dbSNP rs376038546, ClinGen allele CA1942468.

ClinVar aggregate classification (germline): Likely benign. Review status: criteria provided, multiple submitters, no conflicts (2 of 4 stars). 2 submissions from 2 submitters: Likely benign (2). Last evaluated 2026-01-26.

Conditions:
Jeune thoracic dystrophy. Also called: Jeune syndrome; Infantile thoracic dystrophy; Thoracic pelvic phalangeal dystrophy; Jeune's syndrome; Chondroectodermal dysplasia-like syndrome; Short-rib thoracic dysplasia. Identifiers: Orphanet 474, MedGen C0265275, MONDO:0018770.
Nephronophthisis. Also called: Juvenile Nephronophthisis. Identifiers: Orphanet 655, MedGen C0687120, MONDO:0019005, HP:0000090.
TTC21B-related disorder. Also called: TTC21B-related condition; TTC21B-related disorders.

Allele frequency attached by ClinVar (database versions not stated): gnomAD exomes below 0.00001; ExAC 0.00002; TOPMed 0.00004; gnomAD 0.00005; ESP Exome Variant Server 0.00015.
gnomAD v4.1: 14 of 1,613,750 alleles (0.00087%); highest among the groups gnomAD compares: African/African-American, 0.012%; no homozygotes.

Submissions (2):

Labcorp Genetics (formerly Invitae), Labcorp
Classification: Likely benign for Jeune thoracic dystrophy; Nephronophthisis. Last evaluated: 2026-01-26. Review status: criteria provided, single submitter. Criteria: Invitae Variant Classification Sherloc (09022015). Collection method: clinical testing. Allele origin: germline.

PreventionGenetics, part of Exact Sciences
Classification: Likely benign for TTC21B-related condition. Last evaluated: 2024-10-11. Review status: criteria provided, single submitter. Criteria: ACMG Guidelines, 2015. Collection method: clinical testing. Allele origin: germline.
Comment: This variant is classified as likely benign based on ACMG/AMP sequence variant interpretation guidelines (Richards et al. 2015 PMID: 25741868, with internal and published modifications).